The following is an entry in ClinVar:

NM_022124.6(CDH23):c.3503G>A (p.Arg1168Gln)

Genes: C10orf105 (chromosome 10 open reading frame 105; minus strand), CDH23 (cadherin related 23; plus strand). Cytogenetic location: 10q22.1.
Variant type: single nucleotide variant.
Coding change: c.3503G>A on transcript NM_022124.6 (MANE Select); coding-DNA position 3503, G replaced by A.
Protein change: p.Arg1168Gln; replaces arginine 1168 with glutamine.
Molecular consequence: missense variant. On other transcripts: intron variant (1).
Genome position (GRCh38, 1-based): chr10:71,725,444, G>A. VCF-style: chr10-71725444-G-A. GRCh37 (hg19) VCF-style: chr10-73485201-G-A.
Other names: c.3503G>A, p.Arg1168Gln (NM_001171930.2); c.-5-9102C>T (NM_001168390.2); short protein forms R1168Q.
Identifiers: ClinVar variation 162907 (VCV000162907.9), dbSNP rs727502925, ClinGen allele CA175484.

ClinVar aggregate classification (germline): Uncertain significance. Review status: criteria provided, multiple submitters, no conflicts (2 of 4 stars). 3 submissions from 3 submitters: Uncertain significance (2). 1 of the submissions does not count toward it. Last evaluated 2022-10-17.

Conditions:
Usher syndrome type 1 (USH1). Also called: RETINITIS PIGMENTOSA AND CONGENITAL DEAFNESS. Identifiers: Orphanet 231169, Orphanet 886, MedGen C1568247, MONDO:0010168, OMIM 276900.

Allele frequency attached by ClinVar (database versions not stated): TOPMed 0.00001; gnomAD exomes 0.00002; ExAC 0.00003; gnomAD 0.00001.
gnomAD v4.1: 24 of 1,613,888 alleles (0.0015%); highest among the groups gnomAD compares: Admixed American, 0.0033%; no homozygotes.

Submissions (3):

Labcorp Genetics (formerly Invitae), Labcorp
Classification: Uncertain significance. Last evaluated: 2022-10-17. Review status: criteria provided, single submitter. Criteria: Invitae Variant Classification Sherloc (09022015). Collection method: clinical testing. Allele origin: germline.
Comment: This sequence change replaces arginine, which is basic and polar, with glutamine, which is neutral and polar, at codon 1168 of the CDH23 protein (p.Arg1168Gln). This variant is present in population databases (rs727502925, gnomAD 0.006%). This variant has not been reported in the literature in individuals affected with CDH23-related conditions. ClinVar contains an entry for this variant (Variation ID: 162907). Advanced modeling of protein sequence and biophysical properties (such as structural, functional, and spatial information, amino acid conservation, physicochemical variation, residue mobility, and thermodynamic stability) performed at Invitae indicates that this missense variant is expected to disrupt CDH23 protein function. In summary, the available evidence is currently insufficient to determine the role of this variant in disease. Therefore, it has been classified as a Variant of Uncertain Significance.

Laboratory for Molecular Medicine, Mass General Brigham Personalized Medicine
Classification: Uncertain significance. Last evaluated: 2013-12-10. Review status: criteria provided, single submitter. Criteria: LMM Criteria. Collection method: clinical testing. Allele origin: germline. Observed: 2 variant alleles.
Comment: The Arg1168Gln variant in CDH23 has not been previously reported in individuals with hearing loss or in large population studies. Computational analyses (bioche mical amino acid properties, conservation, AlignGVGD, PolyPhen2, and SIFT) sugge st that the Arg1168Gln variant may impact the protein, though this information i s not predictive enough to determine pathogenicity. In summary, additional info rmation is needed to determine the clinical significance of this variant.

Natera, Inc.
Classification: Uncertain significance for Usher syndrome type 1. Last evaluated: 2019-10-28. Review status: no assertion criteria provided. Collection method: clinical testing. Allele origin: germline. Not counted in ClinVar's aggregate classification.